The following is an entry in ClinVar:

ClinVar aggregate classification (germline): Likely benign. Review status: criteria provided, single submitter (1 of 4 stars). 2 submissions from 2 submitters: Likely benign (1). 1 of the submissions does not count toward it. Last evaluated 2025-07-29.

Conditions:
NPR3-related disorder. Also called: NPR3-related condition.

Allele frequency attached by ClinVar (database versions not stated): ExAC 0.00002; gnomAD exomes 0.00002; TOPMed 0.00004; gnomAD 0.00006.
gnomAD v4.1: 30 of 1,295,254 alleles (0.0023%); highest among the groups gnomAD compares: Middle Eastern, 0.15%; no homozygotes.

Submissions (2):

Labcorp Genetics (formerly Invitae), Labcorp
Classification: Likely benign. Last evaluated: 2025-07-29. Review status: criteria provided, single submitter. Criteria: Invitae Variant Classification Sherloc (09022015). Collection method: clinical testing. Allele origin: germline.

PreventionGenetics, part of Exact Sciences
Classification: Likely benign for NPR3-related condition. Last evaluated: 2019-03-25. Review status: no assertion criteria provided. Collection method: clinical testing. Allele origin: germline. Not counted in ClinVar's aggregate classification.
Comment: This variant is classified as likely benign based on ACMG/AMP sequence variant interpretation guidelines (Richards et al. 2015 PMID: 25741868, with internal and published modifications).

NM_001204375.2(NPR3):c.1290+8C>T

Gene: NPR3 (natriuretic peptide receptor 3; plus strand). Cytogenetic location: 5p13.3.
Variant type: single nucleotide variant.
Coding change: c.1290+8C>T on transcript NM_001204375.2 (MANE Select); 8 bases into the intron after coding-DNA position 1290, C replaced by T.
Molecular consequence: intron variant.
Genome position (GRCh38, 1-based): chr5:32,780,824, C>T. VCF-style: chr5-32780824-C-T. GRCh37 (hg19) VCF-style: chr5-32780930-C-T.
Other names: c.570+8C>T (NM_001364458.2); c.642+8C>T (NM_001363652.2, NM_001204376.2); c.519+8C>T (NM_001364460.2); c.1290+8C>T (NM_000908.4).
Identifiers: ClinVar variation 3046626 (VCV003046626.3), dbSNP rs781668221, ClinGen allele CA3222612.